The following is an entry in ClinVar:

ClinVar aggregate classification (germline): Conflicting classifications of pathogenicity. Review status: criteria provided, conflicting classifications (1 of 4 stars). 5 submissions from 5 submitters: Uncertain significance (4); Likely benign (1). Last evaluated 2026-02-06.

Conditions:
MARS1-related disorder. Also called: MARS1-related condition.
Severe early-onset pulmonary alveolar proteinosis due to MARS deficiency. Also called: Interstitial lung and liver disease; PULMONARY ALVEOLAR PROTEINOSIS, REUNION ISLAND. Identifiers: Orphanet 440427, MedGen C4225400, MONDO:0014206, OMIM 615486.
Charcot-Marie-Tooth disease axonal type 2U. Also called: CHARCOT-MARIE-TOOTH NEUROPATHY, TYPE 2U; CHARCOT-MARIE-TOOTH DISEASE, AXONAL, AUTOSOMAL DOMINANT, TYPE 2U. Identifiers: Orphanet 397735, MedGen C4084821, MONDO:0014566, OMIM 616280.

Allele frequency attached by ClinVar (database versions not stated): ESP Exome Variant Server 0.00008; ExAC 0.00011; gnomAD exomes 0.00012 and 0.00019; 1000 Genomes Project 30x 0.00016; gnomAD 0.00016 and 0.00017; TOPMed 0.00016; 1000 Genomes Project 0.00020.
gnomAD v4.1: 310 of 1,614,092 alleles (0.019%); highest among the groups gnomAD compares: Non-Finnish European, 0.024%; no homozygotes.

Submissions (5):

PreventionGenetics, part of Exact Sciences
Classification: Uncertain significance for MARS1-related condition. Last evaluated: 2026-02-06. Review status: criteria provided, single submitter. Criteria: ACMG Guidelines, 2015. Collection method: clinical testing. Allele origin: germline.
Comment: The MARS1 c.2138G>A variant is predicted to result in the amino acid substitution p.Arg713Gln. To our knowledge, this variant has not been reported in the literature. This variant is reported in 0.021% of alleles in individuals of European (non-Finnish) descent in gnomAD. At this time, the clinical significance of this variant is uncertain due to the absence of conclusive functional and genetic evidence.

Labcorp Genetics (formerly Invitae), Labcorp
Classification: Uncertain significance for Charcot-Marie-Tooth disease axonal type 2U; Severe early-onset pulmonary alveolar proteinosis due to MARS deficiency. Last evaluated: 2025-11-19. Review status: criteria provided, single submitter. Criteria: Invitae Variant Classification Sherloc (09022015). Collection method: clinical testing. Allele origin: germline.
Comment: This sequence change replaces arginine, which is basic and polar, with glutamine, which is neutral and polar, at codon 713 of the MARS protein (p.Arg713Gln). This variant is present in population databases (rs200011880, gnomAD 0.02%). This variant has not been reported in the literature in individuals affected with MARS-related conditions. ClinVar contains an entry for this variant (Variation ID: 846387). An algorithm developed to predict the effect of missense changes on protein structure and function (PolyPhen-2) suggests that this variant is likely to be disruptive. In summary, the available evidence is currently insufficient to determine the role of this variant in disease. Therefore, it has been classified as a Variant of Uncertain Significance.

ARUP Laboratories, Molecular Genetics and Genomics, ARUP Laboratories
Classification: Uncertain significance. Last evaluated: 2025-06-24. Review status: criteria provided, single submitter. Criteria: ARUP Molecular Germline Variant Investigation Process 2024. Collection method: clinical testing. Allele origin: germline.
Comment: The MARS1 c.2138G>A; p.Arg713Gln variant (rs200011880), to our knowledge, is not reported in the medical literature but is reported in ClinVar (Variation ID: 846387). This variant is observed in the non-Finnish European population with an allele frequency of 0.02% (27/129184 alleles) in the Genome Aggregation Database (v2.1.1). Computational analyses are uncertain whether this variant is neutral or deleterious (REVEL: 0.278). Due to limited information, the clinical significance of this variant is uncertain at this time.

CeGaT Center for Human Genetics Tuebingen
Classification: Likely benign. Last evaluated: 2025-06-01. Review status: criteria provided, single submitter. Criteria: CeGaT Center For Human Genetics Tuebingen Variant Classification Criteria Version 2. Collection method: clinical testing. Allele origin: germline. Affected: yes. Observed: 1 variant allele.
Comment: MARS1: BP4

Ambry Genetics
Classification: Uncertain significance. Last evaluated: 2021-06-11. Review status: criteria provided, single submitter. Criteria: Ambry Variant Classification Scheme 2023. Collection method: clinical testing. Allele origin: germline.

NM_004990.4(MARS1):c.2138G>A (p.Arg713Gln)

Gene: MARS1 (methionyl-tRNA synthetase 1; plus strand). Cytogenetic location: 12q13.3.
Variant type: single nucleotide variant.
Coding change: c.2138G>A on transcript NM_004990.4 (MANE Select); coding-DNA position 2138, G replaced by A.
Protein change: p.Arg713Gln; replaces arginine 713 with glutamine.
Molecular consequence: missense variant.
Genome position (GRCh38, 1-based): chr12:57,514,992, G>A. VCF-style: chr12-57514992-G-A. GRCh37 (hg19) VCF-style: chr12-57908775-G-A.
Other names: short protein forms R713Q.
Identifiers: ClinVar variation 846387 (VCV000846387.23), dbSNP rs200011880, ClinGen allele CA6650720.